The following is an entry in ClinVar:

NM_001080414.4(CCDC88C):c.539_540del (p.Val180fs)

Gene: CCDC88C (coiled-coil and HOOK domain protein 88C; minus strand). Cytogenetic location: 14q32.11.
Variant type: Deletion.
Coding change: c.539_540del on transcript NM_001080414.4 (MANE Select); coding-DNA positions 539 to 540, 2 bases deleted (TG; older notation c.539_540delTG).
Protein change: p.Val180fs; shifts the reading frame from valine 180.
Molecular consequence: frameshift variant. On other transcripts: non-coding transcript variant (2).
Genome position (GRCh38, 1-based): chr14:91,339,968-91,339,969, CA deleted on the plus strand (TG on the coding strand, the reverse complement: CCDC88C is on the minus strand); deleting any 2 consecutive bases within chr14:91,339,968-91,339,970 gives the same sequence; the c. name uses the placement nearest the transcript's 3' end. VCF-style (leftmost placement, unchanged base first): chr14-91339967-CCA-C. GRCh37 (hg19) VCF-style: chr14-91806311-CCA-C.
Other names: short protein forms V180fs.
Identifiers: ClinVar variation 5015447 (VCV005015447.1).

ClinVar aggregate classification (germline): Pathogenic (1 of 4 stars; one submission).

Conditions:
Hydrocephalus, nonsyndromic, autosomal recessive 1 (HYC1). Also called: Hydrocephalus, nonsyndromic, autosomal recessive; Congenital hydrocephalus 1. Identifiers: Orphanet 2185, MedGen C3887608, MONDO:0009360, OMIM 236600.

Submission:

Myriad Genetics, Inc.
Classification: Pathogenic for Hydrocephalus, nonsyndromic, autosomal recessive 1. Last evaluated: 2026-01-20. Review status: criteria provided, single submitter. Criteria: Myriad Autosomal Dominant, Autosomal Recessive and X-Linked Classification Criteria (2023). Collection method: clinical testing. Allele origin: unknown.
Comment: NM_001080414.3(CCDC88C):c.539_540delTG(V180Gfs*66) is expected to be pathogenic in the context of congenital hydrocephalus, CCDC88C-related. This variant is predicted to lead to an abnormal or absent protein product due to the creation of a premature termination codon in CCDC88C, a gene where loss-of-function variants are known to be pathogenic. Please note: this variant was assessed in the context of healthy population screening.